The following is an entry in ClinVar:

ClinVar aggregate classification (germline): Pathogenic (1 of 4 stars; one submission).

Conditions:
Glucose-6-phosphate transport defect (GSD1B). Also called: GSD Ib; Glycogen Storage Disease Type Ib. Identifiers: Orphanet 364, Orphanet 79259, MedGen C0268146, MONDO:0009288, OMIM 232220.

Submission:

Labcorp Genetics (formerly Invitae), Labcorp
Classification: Pathogenic for Glucose-6-phosphate transport defect. Last evaluated: 2022-10-31. Review status: criteria provided, single submitter. Criteria: Invitae Variant Classification Sherloc (09022015). Collection method: clinical testing. Allele origin: germline.
Comment: For these reasons, this variant has been classified as Pathogenic. ClinVar contains an entry for this variant (Variation ID: 1454012). This variant has not been reported in the literature in individuals affected with SLC37A4-related conditions. This variant is not present in population databases (gnomAD no frequency). This sequence change creates a premature translational stop signal (p.Ala113Glyfs*18) in the SLC37A4 gene. It is expected to result in an absent or disrupted protein product. Loss-of-function variants in SLC37A4 are known to be pathogenic (PMID: 9758626, 10940311).

Literature cited by the submitters: PubMed 9758626; PubMed 10940311.

NM_001164277.2(SLC37A4):c.335dup (p.Ala113fs)

Gene: SLC37A4 (solute carrier family 37 member 4; minus strand). Cytogenetic location: 11q23.3.
Variant type: Duplication.
Coding change: c.335dup on transcript NM_001164277.2 (MANE Select); coding-DNA position 335, one base duplicated (T; older notation c.335dupT).
Protein change: p.Ala113fs; shifts the reading frame from alanine 113.
Molecular consequence: frameshift variant.
Genome position (GRCh38, 1-based): chr11:119,028,240, A duplicated on the plus strand (T on the coding strand, the reverse complement: SLC37A4 is on the minus strand). VCF-style (leftmost placement, unchanged base first): chr11-119028239-C-CA. GRCh37 (hg19) VCF-style: chr11-118898949-C-CA.
Other names: c.335dup, p.Ala113fs (NM_001164278.2, NM_001164280.2, NM_001467.6); c.116dup, p.Ala40fs (NM_001164279.2); short protein forms A40fs, A113fs.
Identifiers: ClinVar variation 1454012 (VCV001454012.6), dbSNP rs2134639714, ClinGen allele CA2573146989.